The following is an entry in ClinVar:

ClinVar aggregate classification (germline): Conflicting classifications of pathogenicity. Review status: criteria provided, conflicting classifications (1 of 4 stars). 13 submissions from 13 submitters: Uncertain significance (1); Benign (2); Likely benign (7). 3 of the submissions do not count toward it. Last evaluated 2026-02-02.

Conditions:
CFTR-related disorder (CFTR-RD). Also called: CFTR-related disorders; CFTR-related condition. Identifiers: MedGen C5924204, MONDO:7770004.
Cystic fibrosis (CF). Also called: MUCOVISCIDOSIS. Identifiers: Orphanet 586, MedGen C0010674, MONDO:0009061, OMIM 219700. Disease mechanism: loss of function.

Allele frequency attached by ClinVar (database versions not stated): 1000 Genomes Project 30x 0.00031; gnomAD exomes 0.00034 and 0.00011; 1000 Genomes Project 0.00040; ExAC 0.00040; gnomAD 0.00113 and 0.00127; TOPMed 0.00128; ESP Exome Variant Server 0.00154.
gnomAD v4.1: 337 of 1,534,760 alleles (0.022%); highest among the groups gnomAD compares: African/African-American, 0.4%; 1 homozygote.

Submissions (13):

Labcorp Genetics (formerly Invitae), Labcorp
Classification: Benign for Cystic fibrosis. Last evaluated: 2026-02-02. Review status: criteria provided, single submitter. Criteria: Invitae Variant Classification Sherloc (09022015). Collection method: clinical testing. Allele origin: germline.

Mayo Clinic Laboratories, Mayo Clinic
Classification: Likely benign. Last evaluated: 2025-10-03. Review status: criteria provided, single submitter. Criteria: ACMG Guidelines, 2015. Collection method: clinical testing. Allele origin: germline. Observed: 2 variant alleles.
Comment: BP4, BP7

Women's Health and Genetics/Laboratory Corporation of America, LabCorp
Classification: Likely benign. Last evaluated: 2025-04-30. Review status: criteria provided, single submitter. Criteria: LabCorp Variant Classification Summary - May 2015. Collection method: clinical testing. Allele origin: germline.
Comment: Variant summary: CFTR c.4242+10T>C alters a nucleotide located at a position not widely known to affect splicing. Consensus agreement among computation tools predict no significant impact on normal splicing. However, these predictions have yet to be confirmed by functional studies. The variant allele was found at a frequency of 0.00034 in 250468 control chromosomes, predominantly at a frequency of 0.0048 within the African or African-American subpopulation in the gnomAD database. This frequency is not significantly higher than estimated for a pathogenic variant in CFTR causing Cystic Fibrosis (0.00034 vs 0.013), allowing no conclusion about variant significance. c.4242+10T>C has been reported in the literature in individuals screened for Cystic Fibrosis or other CFTR-related disorders (e.g. Marechal_2001, El-Seedy_2016). These reports do not provide unequivocal conclusions about association of the variant with Cystic Fibrosis. To our knowledge, no experimental evidence demonstrating an impact on protein function has been reported. The following publications have been ascertained in the context of this evaluation (PMID: 28040058, 28408918, 11379874, 25087612). ClinVar contains an entry for this variant (Variation ID: 53928). Based on the evidence outlined above, the variant was classified as likely benign.

ARUP Laboratories, Molecular Genetics and Genomics, ARUP Laboratories
Classification: Likely benign. Last evaluated: 2025-01-03. Review status: criteria provided, single submitter. Criteria: ARUP Molecular Germline Variant Investigation Process 2024. Collection method: clinical testing. Allele origin: germline.

Blueprint Genetics
Classification: Likely benign. Last evaluated: 2024-07-15. Review status: criteria provided, single submitter. Criteria: ACMG Guidelines, 2015. Collection method: clinical testing. Allele origin: germline.

Johns Hopkins Genomics, Johns Hopkins University
Classification: Likely benign for Cystic fibrosis. Last evaluated: 2024-07-12. Review status: criteria provided, single submitter. Criteria: ACMG Guidelines, 2015. Collection method: clinical testing. Allele origin: germline.
Comment: PP4, BP2, BP4

Quest Diagnostics Nichols Institute San Juan Capistrano
Classification: Likely benign. Last evaluated: 2022-10-13. Review status: criteria provided, single submitter. Criteria: Quest Diagnostics criteria. Collection method: clinical testing. Allele origin: unknown.

Ambry Genetics
Classification: Likely benign for Cystic fibrosis. Last evaluated: 2019-04-24. Review status: criteria provided, single submitter. Criteria: Ambry Variant Classification Scheme 2023. Collection method: clinical testing. Allele origin: germline.

Illumina Laboratory Services, Illumina
Classification: Uncertain significance for CFTR-Related Disorders. Last evaluated: 2017-04-28. Review status: criteria provided, single submitter. Criteria: ICSL Variant Classification Criteria 13 December 2019. Collection method: clinical testing. Allele origin: germline.
Comment: This variant was observed as part of a predisposition screen in an ostensibly healthy population. A literature search was performed for the gene, cDNA change, and amino acid change (where applicable). Publications were found based on this search. However, the evidence from the literature, in combination with allele frequency data from public databases where available, was not sufficient to rule this variant in or out of causing disease. Therefore, this variant is classified as a variant of unknown significance.

Eurofins Ntd Llc (ga)
Classification: Benign. Last evaluated: 2013-05-24. Review status: criteria provided, single submitter. Criteria: EGL Classification Definitions 2015. Collection method: clinical testing. Allele origin: germline. Observed: 2 variant alleles, 2 heterozygotes.

Natera, Inc.
Classification: Uncertain significance for Cystic Fibrosis. Last evaluated: 2018-03-23. Review status: no assertion criteria provided. Collection method: clinical testing. Allele origin: germline. Not counted in ClinVar's aggregate classification.

Clinical Genetics DNA and cytogenetics Diagnostics Lab, Erasmus MC, Erasmus Medical Center
Classification: Likely benign. Review status: no assertion criteria provided. Collection method: clinical testing. Allele origin: germline. Affected: yes. Study: VKGL Data-share Consensus. Not counted in ClinVar's aggregate classification.

Diagnostic Laboratory, Department of Genetics, University Medical Center Groningen
Classification: Likely benign. Review status: no assertion criteria provided. Collection method: clinical testing. Allele origin: germline. Affected: yes. Study: VKGL Data-share Consensus. Not counted in ClinVar's aggregate classification.

Literature cited by the submitters: PubMed 25087612 (cited by 4 submitters); PubMed 28040058 (cited by 3 submitters); PubMed 28408918 (cited by 3 submitters); PubMed 11379874 (cited by 4 submitters); PubMed 38695616 (cited by Johns Hopkins Genomics, Johns Hopkins University).

NM_000492.4(CFTR):c.4242+10T>C

Gene: CFTR (CF transmembrane conductance regulator; plus strand). Cytogenetic location: 7q31.2.
Variant type: single nucleotide variant.
Coding change: c.4242+10T>C on transcript NM_000492.4 (MANE Select); 10 bases into the intron after coding-DNA position 4242, T replaced by C.
Molecular consequence: intron variant.
Genome position (GRCh38, 1-based): chr7:117,665,574, T>C. VCF-style: chr7-117665574-T-C. GRCh37 (hg19) VCF-style: chr7-117305628-T-C.
Other names: p.?.
Identifiers: ClinVar variation 53928 (VCV000053928.43), dbSNP rs138642693, ClinGen allele CA146702.
Genomic context (GRCh38, chr7:117,665,574, plus strand): 5'-ATTCTCTGTGAACACAGGATAGAAGCAATGCTGGAATGCCAACAATTTTTGGTGAGTCTT[T>C]ATAACTTTACTTAAGATCTCATTGCCCTTGTAATTCTTGATAACAATCTCACATGTGATA-3'